The following is an entry in ClinVar:

NM_001278064.2(GRM1):c.1494A>G (p.Gly498=)

Gene: GRM1 (glutamate metabotropic receptor 1; plus strand). Cytogenetic location: 6q24.3.
Variant type: single nucleotide variant.
Coding change: c.1494A>G on transcript NM_001278064.2 (MANE Select); coding-DNA position 1494, A replaced by G.
Protein change: p.Gly498=; no amino-acid change (glycine 498 retained).
Molecular consequence: synonymous variant.
Genome position (GRCh38, 1-based): chr6:146,357,586, A>G. VCF-style: chr6-146357586-A-G. GRCh37 (hg19) VCF-style: chr6-146678722-A-G.
Other names: p.Gly498=; c.1494A>G, p.Gly498= (NM_001278065.2, NM_001278066.1, NM_001278067.1).
Identifiers: ClinVar variation 804877 (VCV000804877.3), dbSNP rs767873257, ClinGen allele CA4037306.

ClinVar aggregate classification (germline): Benign/Likely benign. Review status: criteria provided, multiple submitters, no conflicts (2 of 4 stars). 3 submissions from 3 submitters: Benign (1); Likely benign (2). Last evaluated 2025-11-04.

Allele frequency attached by ClinVar (database versions not stated): gnomAD 0.00002; gnomAD exomes 0.00002 and 0.00007; TOPMed 0.00002; ExAC 0.00004.
gnomAD v4.1: 45 of 1,613,656 alleles (0.0028%); highest among the groups gnomAD compares: African/African-American, 0.0013%; no homozygotes.

Submissions (3):

Labcorp Genetics (formerly Invitae), Labcorp
Classification: Benign. Last evaluated: 2025-11-04. Review status: criteria provided, single submitter. Criteria: Invitae Variant Classification Sherloc (09022015). Collection method: clinical testing. Allele origin: germline.

Mayo Clinic Laboratories, Mayo Clinic
Classification: Likely benign. Last evaluated: 2025-06-27. Review status: criteria provided, single submitter. Criteria: ACMG Guidelines, 2015. Collection method: clinical testing. Allele origin: germline. Observed: 1 variant allele.
Comment: BP4, BP7

Athena Diagnostics
Classification: Likely benign. Last evaluated: 2019-07-30. Review status: criteria provided, single submitter. Criteria: Athena Diagnostics Criteria. Collection method: clinical testing. Allele origin: germline.